The following is an entry in ClinVar:

NM_006329.4(FBLN5):c.1122C>T (p.Tyr374=)

Gene: FBLN5 (fibulin 5; minus strand). Cytogenetic location: 14q32.12.
Variant type: single nucleotide variant.
Coding change: c.1122C>T on transcript NM_006329.4 (MANE Select); coding-DNA position 1122, C replaced by T.
Protein change: p.Tyr374=; no amino-acid change (tyrosine 374 retained).
Molecular consequence: synonymous variant.
Genome position (GRCh38, 1-based): chr14:91,877,550, G>A on the plus strand (C>T on the coding strand, the complement: FBLN5 is on the minus strand). VCF-style: chr14-91877550-G-A. GRCh37 (hg19) VCF-style: chr14-92343894-G-A.
Other names: p.Tyr374=; c.1245C>T, p.Tyr415= (NM_001384158.1); c.1173C>T, p.Tyr391= (NM_001384159.1); c.1122C>T, p.Tyr374= (NM_001384160.1); c.954C>T, p.Tyr318= (NM_001384161.1, NM_001384162.1).
Identifiers: ClinVar variation 314872 (VCV000314872.32), dbSNP rs145515678, ClinGen allele CA7312615.

ClinVar aggregate classification (germline): Benign/Likely benign. Review status: criteria provided, multiple submitters, no conflicts (2 of 4 stars). 11 submissions from 10 submitters: Benign (8); Likely benign (1). 2 of the submissions do not count toward it. Last evaluated 2026-02-04.

Conditions:
Cutis laxa. Identifiers: Orphanet 209, MedGen C0010495, MONDO:0016175, HP:0000973.
Macular degeneration, age-related, 3 (ARMD3). Identifiers: Orphanet 280598, MedGen C1837187, MONDO:0012145, OMIM 608895.

Allele frequency attached by ClinVar (database versions not stated): 1000 Genomes Project 30x 0.00890; 1000 Genomes Project 0.00938; gnomAD 0.01577 and 0.01635; ExAC 0.01618; ESP Exome Variant Server 0.01653; gnomAD exomes 0.01685 and 0.02103; TOPMed 0.01767.
gnomAD v4.1: 33,005 of 1,614,022 alleles (2%); highest among the groups gnomAD compares: Non-Finnish European, 2.4%; 465 homozygotes.

Submissions (11):

Labcorp Genetics (formerly Invitae), Labcorp
Classification: Benign. Last evaluated: 2026-02-04. Review status: criteria provided, single submitter. Criteria: Invitae Variant Classification Sherloc (09022015). Collection method: clinical testing. Allele origin: germline.

ARUP Laboratories, Molecular Genetics and Genomics, ARUP Laboratories
Classification: Benign. Last evaluated: 2025-07-03. Review status: criteria provided, single submitter. Criteria: ARUP Molecular Germline Variant Investigation Process 2024. Collection method: clinical testing. Allele origin: germline.

Molecular Diagnostic Laboratory for Inherited Cardiovascular Disease, Montreal Heart Institute
Classification: Benign. Last evaluated: 2025-04-09. Review status: criteria provided, single submitter. Criteria: ACMG Guidelines, 2015. Collection method: clinical testing. Allele origin: germline. Affected: no.

Blueprint Genetics
Classification: Likely benign. Last evaluated: 2024-11-27. Review status: criteria provided, single submitter. Criteria: ACMG Guidelines, 2015. Collection method: clinical testing. Allele origin: germline.

GeneDx
Classification: Benign. Last evaluated: 2018-04-30. Review status: criteria provided, single submitter. Criteria: GeneDx Variant Classification Process June 2021. Collection method: clinical testing. Allele origin: germline. Affected: yes.
Comment: This variant is associated with the following publications: (PMID: 15955459, 16652333)

Illumina Laboratory Services, Illumina
Classification: Benign for Cutis laxa. Last evaluated: 2018-01-12. Review status: criteria provided, single submitter. Criteria: ICSL Variant Classification Criteria 13 December 2019. Collection method: clinical testing. Allele origin: germline.
Comment: This variant was observed in the ICSL laboratory as part of a predisposition screen in an ostensibly healthy population. It had not been previously curated by ICSL or reported in the Human Gene Mutation Database (HGMD: prior to June 1st, 2018), and was therefore a candidate for classification through an automated scoring system. Utilizing variant allele frequency, disease prevalence and penetrance estimates, and inheritance mode, an automated score was calculated to assess if this variant is too frequent to cause the disease. Based on the score and internal cut-off values, a variant classified as benign is not then subjected to further curation. The score for this variant resulted in a classification of benign for this disease.

Illumina Laboratory Services, Illumina
Classification: Benign for Macular degeneration, age-related, 3. Last evaluated: 2018-01-12. Review status: criteria provided, single submitter. Criteria: ICSL Variant Classification Criteria 13 December 2019. Collection method: clinical testing. Allele origin: germline.
Comment: the same text as in the submission from Illumina Laboratory Services, Illumina above.

Mayo Clinic Laboratories, Mayo Clinic
Classification: Benign. Last evaluated: 2016-04-13. Review status: criteria provided, single submitter. Criteria: ACMG Guidelines, 2015. Collection method: clinical testing. Allele origin: germline. Observed: 82 variant alleles.

Breakthrough Genomics
Classification: Benign. Review status: criteria provided, single submitter. Criteria: ACMG Guidelines, 2015. Collection method: not provided. Allele origin: germline. Inheritance: Autosomal recessive inheritance. Affected: yes.

Clinical Genetics, Academic Medical Center
Classification: Benign. Review status: no assertion criteria provided. Collection method: clinical testing. Allele origin: germline. Affected: yes. Study: VKGL Data-share Consensus. Not counted in ClinVar's aggregate classification.

Genome Diagnostics Laboratory, Amsterdam University Medical Center
Classification: Benign. Review status: no assertion criteria provided. Collection method: clinical testing. Allele origin: germline. Affected: yes. Study: VKGL Data-share Consensus. Not counted in ClinVar's aggregate classification.